The following is an entry in ClinVar:

ClinVar aggregate classification (germline): Likely benign (0 of 4 stars; one submission).

Conditions:
ARID1B-Related Disorder. Identifiers: MedGen CN381337.

Allele frequency attached by ClinVar (database versions not stated): gnomAD exomes below 0.00001.
gnomAD v4.1: 4 of 1,506,882 alleles (0.00027%); highest among the groups gnomAD compares: Middle Eastern, 0.018%; no homozygotes.

Submission:

PreventionGenetics, part of Exact Sciences
Classification: Likely benign for ARID1B-related condition. Last evaluated: 2024-01-23. Review status: no assertion criteria provided. Collection method: clinical testing. Allele origin: germline.
Comment: This variant is classified as likely benign based on ACMG/AMP sequence variant interpretation guidelines (Richards et al. 2015 PMID: 25741868, with internal and published modifications).

NM_001374828.1(ARID1B):c.7095A>G (p.Val2365=)

Gene: ARID1B (AT-rich interaction domain 1B; plus strand). Cytogenetic location: 6q25.3.
Variant type: single nucleotide variant.
Coding change: c.7095A>G on transcript NM_001374828.1 (MANE Select); coding-DNA position 7095, A replaced by G.
Protein change: p.Val2365=; no amino-acid change (valine 2365 retained).
Molecular consequence: synonymous variant.
Genome position (GRCh38, 1-based): chr6:157,207,867, A>G. VCF-style: chr6-157207867-A-G. GRCh37 (hg19) VCF-style: chr6-157529001-A-G.
Other names: c.6846A>G, p.Val2282= (NM_001346813.1); c.4596A>G, p.Val1532= (NM_001363725.2); c.6975A>G, p.Val2325= (NM_001371656.1, NM_001374820.1); c.6936A>G, p.Val2312= (NM_017519.3); c.6726A>G, p.Val2242= (NM_020732.3); c.6513A>G, p.Val2171= (NM_175863.2).
Identifiers: ClinVar variation 3029271 (VCV003029271.2), dbSNP rs753123473, ClinGen allele CA452979113.